The following is an entry in ClinVar:

NM_000169.3(GLA):c.625T>C (p.Trp209Arg)

Genes: GLA (galactosidase alpha; minus strand), RPL36A-HNRNPH2 (RPL36A-HNRNPH2 readthrough; plus strand). Cytogenetic location: Xq22.1.
Variant type: single nucleotide variant.
Coding change: c.625T>C on transcript NM_000169.3 (MANE Select); coding-DNA position 625, T replaced by C.
Protein change: p.Trp209Arg; replaces tryptophan 209 with arginine.
Molecular consequence: missense variant. On other transcripts: non-coding transcript variant (2), intron variant (2).
Genome position (GRCh38, 1-based): chrX:101,400,680, A>G on the plus strand (T>C on the coding strand, the complement: GLA is on the minus strand). VCF-style: chrX-101400680-A-G. GRCh37 (hg19) VCF-style: chrX-100655668-A-G.
Other names: c.748T>C, p.Trp250Arg (NM_001406747.1); c.625T>C, p.Trp209Arg (NM_001406748.1); c.300+5223A>G (NM_001199973.2); c.177+8858A>G (NM_001199974.2); short protein forms W209R, W250R.
Identifiers: ClinVar variation 4087442 (VCV004087442.3).

ClinVar aggregate classification (germline): Uncertain significance. Review status: criteria provided, multiple submitters, no conflicts (2 of 4 stars). 2 submissions from 2 submitters: Uncertain significance (2). Last evaluated 2026-09-08.

Conditions:
Fabry disease. Also called: ALPHA-GALACTOSIDASE A DEFICIENCY; ANDERSON-FABRY DISEASE; CERAMIDE TRIHEXOSIDASE DEFICIENCY; GLA DEFICIENCY; HEREDITARY DYSTOPIC LIPIDOSIS; Angiokeratoma corporis diffusum. Identifiers: Orphanet 324, MedGen C0002986, MONDO:0010526, OMIM 301500, HP:0001071. Disease mechanism: Fabry disease is due to inactivating mutations in the X-linked GLA gene resulting in deficiency of the enzyme Alpha Galactosidase-A., loss of function.
Cardiovascular phenotype. Identifiers: MedGen CN230736.

Submissions (2):

Genomenon, Inc
Classification: Uncertain significance for Fabry disease. Last evaluated: 2026-09-08. Review status: criteria provided, single submitter. Criteria: Genomenon Sequence Variant Interpretation Standards - Updated. Collection method: curation. Allele origin: germline. Affected: no.
Comment: GLA p.Trp209Arg (c.625T>C) is a missense variant that changes the amino acid at codon 209 from Tryptophan to Arginine. This variant has been reported in the published literature (PMID:31956509;32843101;33016649;31613176). It is absent or not present at a significant frequency in gnomAD. In conclusion, we classify GLA p.Trp209Arg (c.625T>C) as a variant of uncertain significance.

Ambry Genetics
Classification: Uncertain significance for Cardiovascular phenotype. Last evaluated: 2025-08-21. Review status: criteria provided, single submitter. Criteria: Ambry Variant Classification Scheme 2023. Collection method: clinical testing. Allele origin: germline.
Comment: The p.W209R variant (also known as c.625T>C), located in coding exon 4 of the GLA gene, results from a T to C substitution at nucleotide position 625. The tryptophan at codon 209 is replaced by arginine, an amino acid with dissimilar properties. This amino acid position is not well conserved in available vertebrate species. In addition, this alteration is predicted to be tolerated by in silico analysis. Based on the available evidence, the clinical significance of this variant remains unclear.

Literature cited by the submitters: PubMed 31956509 (cited by Genomenon, Inc); PubMed 32843101 (cited by Genomenon, Inc); PubMed 33016649 (cited by Genomenon, Inc and Ambry Genetics); PubMed 31613176 (cited by Genomenon, Inc and Ambry Genetics); PubMed 40823509 (cited by Ambry Genetics).